The following is an entry in ClinVar:

ClinVar aggregate classification (germline): Uncertain significance. Review status: criteria provided, multiple submitters, no conflicts (2 of 4 stars). 2 submissions from 2 submitters: Uncertain significance (2). Last evaluated 2021-07-08.

Allele frequency attached by ClinVar (database versions not stated): gnomAD exomes below 0.00001 and 0.00002; gnomAD 0.00001; ExAC 0.00003; 1000 Genomes Project 30x 0.00016; 1000 Genomes Project 0.00020.
gnomAD v4.1: 7 of 1,599,780 alleles (0.00044%); highest among the groups gnomAD compares: South Asian, 0.0044%; no homozygotes.

Submissions (2):

Blueprint Genetics
Classification: Uncertain significance. Last evaluated: 2021-07-08. Review status: criteria provided, single submitter. Criteria: ACMG Guidelines, 2015. Collection method: clinical testing. Allele origin: germline.

Laboratory for Molecular Medicine, Mass General Brigham Personalized Medicine
Classification: Uncertain significance. Last evaluated: 2016-06-17. Review status: criteria provided, single submitter. Criteria: LMM Criteria. Collection method: clinical testing. Allele origin: germline. Observed: 1 variant allele.
Comment: The p.Thr49Asn variant in HGF has not been previously reported in individuals wi th hearing loss, but has been identified in 3/24909 Asian chromosomes by the Exo me Aggregation Consortium (ExAC; dbSNP rs3680946 83). Although this variant has been seen in the general population, its frequenc y is not high enough to rule out a pathogenic role. Computational prediction too ls and conservation analysis do not provide strong support for or against an imp act to the protein. In summary, the clinical significance of the p.Thr49Asn vari ant is uncertain.

NM_000601.6(HGF):c.146C>A (p.Thr49Asn)

Gene: HGF (hepatocyte growth factor; minus strand). Cytogenetic location: 7q21.11.
Variant type: single nucleotide variant.
Coding change: c.146C>A on transcript NM_000601.6 (MANE Select); coding-DNA position 146, C replaced by A.
Protein change: p.Thr49Asn; replaces threonine 49 with asparagine.
Molecular consequence: missense variant.
Genome position (GRCh38, 1-based): chr7:81,762,815, G>T on the plus strand (C>A on the coding strand, the complement: HGF is on the minus strand). VCF-style: chr7-81762815-G-T. GRCh37 (hg19) VCF-style: chr7-81392131-G-T.
Other names: c.146C>A, p.Thr49Asn (NM_001010931.3, NM_001010932.3, NM_001010933.3 and 1 more transcripts); short protein forms T49N.
Identifiers: ClinVar variation 505104 (VCV000505104.5), dbSNP rs368094683, ClinGen allele CA4317267.